The following is an entry in ClinVar:

NM_001111.5(ADAR):c.2375T>C (p.Leu792Ser)

Gene: ADAR (adenosine deaminase RNA specific; minus strand). Cytogenetic location: 1q21.3.
Variant type: single nucleotide variant.
Coding change: c.2375T>C on transcript NM_001111.5 (MANE Select); coding-DNA position 2375, T replaced by C.
Protein change: p.Leu792Ser; replaces leucine 792 with serine.
Molecular consequence: missense variant.
Genome position (GRCh38, 1-based): chr1:154,590,305, A>G on the plus strand (T>C on the coding strand, the complement: ADAR is on the minus strand). VCF-style: chr1-154590305-A-G. GRCh37 (hg19) VCF-style: chr1-154562781-A-G.
Other names: c.1490T>C, p.Leu497Ser (NM_001025107.3, NM_001193495.2, NM_001365046.1 and 3 more transcripts); c.2402T>C, p.Leu801Ser (NM_001365045.1); c.2375T>C, p.Leu792Ser (NM_015840.4); c.2318T>C, p.Leu773Ser (NM_015841.4); short protein forms L497S, L773S, L792S, L801S.
Identifiers: ClinVar variation 3756590 (VCV003756590.2).
Genomic context (GRCh38, chr1:154,590,305, plus strand): 5'-CCTGTCACTGGGGTTACCTCTGTGAAACCCATGCGTTCTGCCTTCTCGTTCTCCCCAATC[A>G]AGACACGGAGAGCCGCATCTGCTGCTTCCTGCTTGCCTTGCTTCTTGCTGTGTGCGCAGA-3'
Protein context (NP_001102.3, residues 782-802): QEAADAALRV[Leu792Ser]IGENEKAERM

ClinVar aggregate classification (germline): Uncertain significance (1 of 4 stars; one submission).

Conditions:
Symmetrical dyschromatosis of extremities (DSH). Also called: DYSCHROMATOSIS SYMMETRICA HEREDITARIA 1; RETICULATE ACROPIGMENTATION OF DOHI; SYMMETRIC DYSCHROMATOSIS OF THE EXTREMITIES; Dyschromatosis symmetrica hereditaria. Identifiers: Orphanet 41, MedGen C0406775, MONDO:0007483, OMIM 127400.
Aicardi-Goutieres syndrome 6 (AGS6). Identifiers: Orphanet 51, MedGen C3539013, MONDO:0014007, OMIM 615010.

gnomAD v4.1: 1 of 1,613,948 alleles (0.000062%); highest among the groups gnomAD compares: Non-Finnish European, 0.000085%; no homozygotes.

Submission:

Labcorp Genetics (formerly Invitae), Labcorp
Classification: Uncertain significance for Aicardi-Goutieres syndrome 6; Symmetrical dyschromatosis of extremities. Last evaluated: 2024-05-29. Review status: criteria provided, single submitter. Criteria: Invitae Variant Classification Sherloc (09022015). Collection method: clinical testing. Allele origin: germline.
Comment: This sequence change replaces leucine, which is neutral and non-polar, with serine, which is neutral and polar, at codon 792 of the ADAR protein (p.Leu792Ser). This variant is not present in population databases (gnomAD no frequency). This variant has not been reported in the literature in individuals affected with ADAR-related conditions. Advanced modeling of protein sequence and biophysical properties (such as structural, functional, and spatial information, amino acid conservation, physicochemical variation, residue mobility, and thermodynamic stability) has been performed at Invitae for this missense variant, however the output from this modeling did not meet the statistical confidence thresholds required to predict the impact of this variant on ADAR protein function. In summary, the available evidence is currently insufficient to determine the role of this variant in disease. Therefore, it has been classified as a Variant of Uncertain Significance.